The following is an entry in ClinVar:

NM_014390.4(SND1):c.858G>A (p.Glu286=)

Gene: SND1 (staphylococcal nuclease and tudor domain containing 1; plus strand). Cytogenetic location: 7q32.1.
Variant type: single nucleotide variant.
Coding change: c.858G>A on transcript NM_014390.4 (MANE Select); coding-DNA position 858, G replaced by A.
Protein change: p.Glu286=; no amino-acid change (glutamic acid 286 retained).
Molecular consequence: synonymous variant.
Genome position (GRCh38, 1-based): chr7:127,704,856, G>A. VCF-style: chr7-127704856-G-A. GRCh37 (hg19) VCF-style: chr7-127344910-G-A.
Identifiers: ClinVar variation 3052600 (VCV003052600.2), dbSNP rs144683326, ClinGen allele CA4468527.

ClinVar aggregate classification (germline): Likely benign (0 of 4 stars; one submission).

Conditions:
SND1-related disorder. Also called: SND1-related condition.

Allele frequency attached by ClinVar (database versions not stated): gnomAD exomes 0.00012; ExAC 0.00037; gnomAD 0.00118; 1000 Genomes Project 0.00140; ESP Exome Variant Server 0.00146; TOPMed 0.00146; 1000 Genomes Project 30x 0.00156.
gnomAD v4.1: 372 of 1,613,970 alleles (0.023%); highest among the groups gnomAD compares: African/African-American, 0.43%; 1 homozygote.

Submission:

PreventionGenetics, part of Exact Sciences
Classification: Likely benign for SND1-related condition. Last evaluated: 2020-07-20. Review status: no assertion criteria provided. Collection method: clinical testing. Allele origin: germline.
Comment: This variant is classified as likely benign based on ACMG/AMP sequence variant interpretation guidelines (Richards et al. 2015 PMID: 25741868, with internal and published modifications).